The following is an entry in ClinVar:

ClinVar aggregate classification (germline): Pathogenic (1 of 4 stars; one submission).

Conditions:
Aniridia 1 (AN1). Identifiers: Orphanet 250923, MedGen C0344542, MONDO:0024507, OMIM 106210.
Irido-corneo-trabecular dysgenesis (ASGD5). Also called: ANTERIOR SEGMENT DYSGENESIS 5. Identifiers: Orphanet 708, MedGen C0344559, MONDO:0011414, OMIM 604229, HP:0000659.

Submission:

Labcorp Genetics (formerly Invitae), Labcorp
Classification: Pathogenic for Aniridia 1; Irido-corneo-trabecular dysgenesis. Last evaluated: 2017-07-19. Review status: criteria provided, single submitter. Criteria: Invitae Variant Classification Sherloc (09022015). Collection method: clinical testing. Allele origin: germline.
Comment: An amino acid that is disrupted by this frameshift variant, p.Gln422, has been shown to be functionally important. Experimental studies have shown that an amino acid substitution at codon 422 (p.Gln422Arg) disrupts the DNA and protein binding ability of the PAX6 protein (PMID:11309364, 16098226). This variant has not been reported in the literature in individuals with PAX6-related disease. However similar C-terminal extensions (p.Pro419Glnfs*106 and p.Asp413Glufs*112) have been reported in individuals affected with aniridia (PMID: 26661695, 12731001). For these reasons, this variant has been classified as Pathogenic. This variant is not present in population databases (ExAC no frequency). This sequence change deletes 7 nucleotides from the PAX6 mRNA resulting in a frameshift p.Gln406Profs*117). This is not anticipated to result in nonsense mediated decay but it is expected to disrupt the last 18 amino acids of the PAX6 protein and extend it by an additional 100 amino acids.

Literature cited by the submitters: PubMed 11309364; PubMed 16098226; PubMed 26661695; PubMed 12731001.

NM_001368894.2(PAX6):c.1257_1263del (p.Gln420fs)

Genes: PAX6 (paired box 6; minus strand), ELP4 (elongator acetyltransferase complex subunit 4; plus strand). Cytogenetic location: 11p13.
Variant type: Deletion.
Coding change: c.1257_1263del on transcript NM_001368894.2 (MANE Select); coding-DNA positions 1257 to 1263, 7 bases deleted (TCAAGTT; older notation c.1257_1263delTCAAGTT).
Protein change: p.Gln420fs; shifts the reading frame from glutamine 420.
Molecular consequence: frameshift variant. On other transcripts: non-coding transcript variant (2), 3 prime UTR variant (3).
Genome position (GRCh38, 1-based): chr11:31,789,982-31,789,988, AACTTGA deleted on the plus strand (TCAAGTT on the coding strand, the reverse complement: PAX6 is on the minus strand); deleting any 7 consecutive bases within chr11:31,789,982-31,789,989 gives the same sequence; the c. name uses the placement nearest the transcript's 3' end. VCF-style (leftmost placement, unchanged base first): chr11-31789981-GAACTTGA-G. GRCh37 (hg19) VCF-style: chr11-31811529-GAACTTGA-G.
Other names: c.1106_1112del, p.Phe369fs (NM_001368913.2, NM_001368914.2, NM_001368912.2); c.1064_1070del, p.Phe355fs (NM_001368915.2, NM_001368916.2, NM_001368917.2); c.1056_1062del, p.Gln353fs (NM_001368922.2, NM_001368923.2, NM_001368924.2 and 3 more transcripts); c.612_618del, p.Gln205fs (NM_001368930.2); c.1257_1263del, p.Gln420fs (NM_001604.6, NM_001258462.3, NM_001258463.2 and 3 more transcripts); c.1014_1020del, p.Gln339fs (NM_001368928.2); c.656_662del, p.Phe219fs (NM_001368929.2); c.1332_1338del, p.Gln445fs (NM_001368918.2, NM_001368919.2); and 10 more; short protein forms F302fs, F355fs, Q353fs, Q406fs, Q487fs, F219fs, F369fs, F370fs.
Identifiers: ClinVar variation 460457 (VCV000460457.7), dbSNP rs1554982299, ClinGen allele CA658658036.